The following is an entry in ClinVar:

NM_199420.4(POLQ):c.2506G>T (p.Ala836Ser)

Gene: POLQ (DNA polymerase theta; minus strand). Cytogenetic location: 3q13.33.
Variant type: single nucleotide variant.
Coding change: c.2506G>T on transcript NM_199420.4 (MANE Select); coding-DNA position 2506, G replaced by T.
Protein change: p.Ala836Ser; replaces alanine 836 with serine.
Molecular consequence: missense variant.
Genome position (GRCh38, 1-based): chr3:121,493,494, C>A on the plus strand (G>T on the coding strand, the complement: POLQ is on the minus strand). VCF-style: chr3-121493494-C-A. GRCh37 (hg19) VCF-style: chr3-121212341-C-A.
Other names: short protein forms A836S.
Identifiers: ClinVar variation 1792318 (VCV001792318.2), dbSNP rs780888297, ClinGen allele CA2563251.
Genomic context (GRCh38, chr3:121,493,494, plus strand): 5'-TTTTTTTATTTCATAAGCCCATGTAGGTAAAGGTATTTTCTTACCTTTTGAAAGGCACAG[C>A]ATTTTTCAGAATCACCTCCACCTCCACAATATTTGCTCTAGCAAGGTCTGCCACAGTATG-3'
Protein context (NP_955452.3, residues 826-846): IVEVEVILKN[Ala836Ser]VPFKSARKAV

ClinVar aggregate classification (germline): Uncertain significance (1 of 4 stars; one submission).

Allele frequency attached by ClinVar (database versions not stated): gnomAD 0.00001; gnomAD exomes 0.00001; TOPMed 0.00001; ExAC 0.00002.
gnomAD v4.1: 15 of 1,613,204 alleles (0.00093%); highest among the groups gnomAD compares: Non-Finnish European, 0.0013%; no homozygotes.

Submission:

Ambry Genetics
Classification: Uncertain significance. Last evaluated: 2023-12-22. Review status: criteria provided, single submitter. Criteria: Ambry Variant Classification Scheme 2023. Collection method: clinical testing. Allele origin: germline.
Comment: The p.A836S variant (also known as c.2506G>T), located in coding exon 15 of the POLQ gene, results from a G to T substitution at nucleotide position 2506. The alanine at codon 836 is replaced by serine, an amino acid with similar properties. This amino acid position is conserved. In addition, this alteration is predicted to be tolerated by in silico analysis. Since supporting evidence is limited at this time, the clinical significance of this alteration remains unclear.